The following is an entry in ClinVar:

ClinVar aggregate classification (germline): Likely pathogenic (1 of 4 stars; one submission).

Conditions:
Mucopolysaccharidosis, MPS-II (MPS2). Also called: Hunter Syndrome; IDURONATE 2-SULFATASE DEFICIENCY; Mucopolysaccharidosis Type II; Mucopolysaccharidosis type 2; Attenuated MPS (subtype; formerly known as mild MPS II); Severe MPS II. Identifiers: Orphanet 580, Orphanet 79388, MedGen C0026705, MONDO:0010674, OMIM 309900.

Submission:

Laboratory of Diagnosis and Therapy of Lysosomal Disorders, University of Padova
Classification: Likely pathogenic for Mucopolysaccharidosis, MPS-II. Last evaluated: 2024-06-07. Review status: criteria provided, single submitter. Criteria: ACMG Guidelines, 2015. Collection method: literature only. Allele origin: germline. Affected: yes. Observed: 1 variant allele.
Comment: Absent from controls (or at low frequency) in gnomAD database (PM2_Moderate), Missense variant in a gene with a low rate of benign missense variation (PP2_Supporting), Multiple lines of computational evidence support a deleterious effect (PP3_Supporting), Patient’s phenotype or family history highly specific for the disease (PP4_Moderate)

Classification method: ACMG Guidelines [PMID:25741868] with modifications

Literature cited by the submitters: PubMed 24125893.

NM_000202.8(IDS):c.1025A>T (p.His342Leu)

Genes: IDS (iduronate 2-sulfatase; minus strand), LOC106050102 (IDS recombination region; plus strand). Cytogenetic location: Xq28.
Variant type: single nucleotide variant.
Coding change: c.1025A>T on transcript NM_000202.8 (MANE Select); coding-DNA position 1025, A replaced by T.
Protein change: p.His342Leu; replaces histidine 342 with leucine.
Molecular consequence: missense variant.
Genome position (GRCh38, 1-based): chrX:149,487,080, T>A on the plus strand (A>T on the coding strand, the complement: IDS is on the minus strand). VCF-style: chrX-149487080-T-A. GRCh37 (hg19) VCF-style: chrX-148568611-T-A.
Other names: c.755A>T, p.His252Leu (NM_001166550.4); short protein forms H252L, H342L.
Identifiers: ClinVar variation 3255927 (VCV003255927.2).